The following is an entry in ClinVar:

NM_000552.5(VWF):c.6551G>A (p.Cys2184Tyr)

Gene: VWF (von Willebrand factor; minus strand). Cytogenetic location: 12p13.31.
Variant type: single nucleotide variant.
Coding change: c.6551G>A on transcript NM_000552.5 (MANE Select); coding-DNA position 6551, G replaced by A.
Protein change: p.Cys2184Tyr; replaces cysteine 2184 with tyrosine.
Molecular consequence: missense variant.
Genome position (GRCh38, 1-based): chr12:5,993,909, C>T on the plus strand (G>A on the coding strand, the complement: VWF is on the minus strand). VCF-style: chr12-5993909-C-T. GRCh37 (hg19) VCF-style: chr12-6103075-C-T.
Other names: p.C2184Y; short protein forms C2184Y.
Identifiers: ClinVar variation 1677275 (VCV001677275.4), dbSNP rs2136385288, ClinGen allele CA383490775.

ClinVar aggregate classification (germline): Likely pathogenic. Review status: criteria provided, multiple submitters, no conflicts (2 of 4 stars). 2 submissions from 2 submitters: Likely pathogenic (2). Last evaluated 2020-12-10.

Conditions:
von Willebrand disease type 1 (VWD1). Also called: VWD, TYPE 1; VON WILLEBRAND DISEASE, TYPE I. Identifiers: Orphanet 166078, Orphanet 903, MedGen C1264039, MONDO:0008668, OMIM 193400. Inheritance: autosomal recessive or autosomal dominant.

Allele frequency attached by ClinVar (database versions not stated): gnomAD exomes below 0.00001.
gnomAD v4.1: 2 of 1,613,988 alleles (0.00012%); highest among the groups gnomAD compares: Non-Finnish European, 0.000085%; no homozygotes.

Submissions (2):

Laboratory of Hematology, Radboud University Medical Center
Classification: Likely pathogenic for von Willebrand disease type 1. Last evaluated: 2020-12-10. Review status: criteria provided, single submitter. Criteria: ACMG Guidelines, 2015. Collection method: research. Allele origin: germline. Affected: yes. Observed: 1 variant allele. Study: WIN study.

ISTH-SSC Genomics in Thrombosis and Hemostasis, KU Leuven, Center for Molecular and Vascular Biology
Classification: Likely pathogenic for von Willebrand disease type 1. Review status: criteria provided, single submitter. Criteria: ACMG Guidelines, 2015. Collection method: clinical testing. Allele origin: germline. Affected: yes. Observed: 1 heterozygote.
Comment: Submitted to the GoldVariant database by Kathleen Freson, Center for Molecular and Vascular Biology